The following is an entry in ClinVar:

ClinVar aggregate classification (germline): Uncertain significance (1 of 4 stars; one submission).

Conditions:
Cone-rod dystrophy 6 (CORD6). Also called: RETINAL CONE DYSTROPHY 2; Cone dystrophy progressive. Identifiers: Orphanet 1872, MedGen C1866293, MONDO:0011143, OMIM 601777.
Leber congenital amaurosis 1 (LCA1). Also called: RETINAL BLINDNESS, CONGENITAL; AMAUROSIS CONGENITA OF LEBER I; Congenital absence of the rods and cones; Leber's congenital tapetoretinal degeneration; Leber's congenital tapetoretinal dysplasia. Identifiers: Orphanet 65, MedGen C2931258, MONDO:0008764, OMIM 204000.

Allele frequency attached by ClinVar (database versions not stated): gnomAD exomes below 0.00001; gnomAD 0.00001.
gnomAD v4.1: 2 of 1,483,146 alleles (0.00013%); highest among the groups gnomAD compares: Admixed American, 0.0023%; no homozygotes.

Submission:

Labcorp Genetics (formerly Invitae), Labcorp
Classification: Uncertain significance for Leber congenital amaurosis 1; Cone-rod dystrophy 6. Last evaluated: 2024-02-02. Review status: criteria provided, single submitter. Criteria: Invitae Variant Classification Sherloc (09022015). Collection method: clinical testing. Allele origin: germline.
Comment: This sequence change replaces alanine, which is neutral and non-polar, with glutamic acid, which is acidic and polar, at codon 91 of the GUCY2D protein (p.Ala91Glu). This variant is not present in population databases (gnomAD no frequency). This variant has not been reported in the literature in individuals affected with GUCY2D-related conditions. ClinVar contains an entry for this variant (Variation ID: 2045170). Advanced modeling of protein sequence and biophysical properties (such as structural, functional, and spatial information, amino acid conservation, physicochemical variation, residue mobility, and thermodynamic stability) performed at Invitae indicates that this missense variant is not expected to disrupt GUCY2D protein function with a negative predictive value of 80%. In summary, the available evidence is currently insufficient to determine the role of this variant in disease. Therefore, it has been classified as a Variant of Uncertain Significance.

NM_000180.4(GUCY2D):c.272C>A (p.Ala91Glu)

Gene: GUCY2D (guanylate cyclase 2D, retinal; plus strand). Cytogenetic location: 17p13.1.
Variant type: single nucleotide variant.
Coding change: c.272C>A on transcript NM_000180.4 (MANE Select); coding-DNA position 272, C replaced by A.
Protein change: p.Ala91Glu; replaces alanine 91 with glutamic acid.
Molecular consequence: missense variant.
Genome position (GRCh38, 1-based): chr17:8,003,319, C>A. VCF-style: chr17-8003319-C-A. GRCh37 (hg19) VCF-style: chr17-7906637-C-A.
Other names: short protein forms A91E.
Identifiers: ClinVar variation 2045170 (VCV002045170.4), dbSNP rs1975669280, ClinGen allele CA397943089.